The following is an entry in ClinVar:

NM_000038.6(APC):c.5238_5240del (p.Ile1746del)

Gene: APC (APC regulator of Wnt signaling pathway; plus strand). Cytogenetic location: 5q22.2.
Variant type: Deletion.
Coding change: c.5238_5240del on transcript NM_000038.6 (MANE Select); coding-DNA positions 5238 to 5240, 3 bases deleted (AAT; older notation c.5238_5240delAAT).
Protein change: p.Ile1746del; deletes isoleucine 1746.
Molecular consequence: inframe deletion.
Genome position (GRCh38, 1-based): chr5:112,840,832-112,840,834, AAT deleted; deleting any 3 consecutive bases within chr5:112,840,830-112,840,834 gives the same sequence; the c. name uses the placement nearest the transcript's 3' end. VCF-style (leftmost placement, unchanged base first): chr5-112840829-GATA-G. GRCh37 (hg19) VCF-style: chr5-112176526-GATA-G.
Other names: c.5238_5240del, p.Ile1746del (NM_001127510.3, NM_001354895.2); c.5184_5186del, p.Ile1728del (NM_001127511.3); c.5292_5294del, p.Ile1764del (NM_001354896.2); c.5268_5270del, p.Ile1756del (NM_001354897.2); c.5163_5165del, p.Ile1721del (NM_001354898.2); c.5154_5156del, p.Ile1718del (NM_001354899.2); c.5115_5117del, p.Ile1705del (NM_001354900.2); c.5061_5063del, p.Ile1687del (NM_001354901.2); and 6 more; short protein forms I1728del, I1746del, I1463del, I1721del, I1764del, I1620del, I1586del, I1655del.
Identifiers: ClinVar variation 576456 (VCV000576456.16), dbSNP rs1561598600, ClinGen allele CA891843024.

ClinVar aggregate classification (germline): Uncertain significance. Review status: criteria provided, multiple submitters, no conflicts (2 of 4 stars). 4 submissions from 4 submitters: Uncertain significance (4). Last evaluated 2024-12-05.

Conditions:
Hereditary cancer-predisposing syndrome. Also called: Tumor predisposition; Hereditary neoplastic syndrome; Hereditary Cancer Syndrome; Neoplastic Syndromes, Hereditary. Identifiers: Orphanet 140162, MedGen C0027672, MeSH D009386, MONDO:0015356.
Familial adenomatous polyposis 1 (FAP1). Also called: POLYPOSIS, ADENOMATOUS INTESTINAL; FAMILIAL ADENOMATOUS POLYPOSIS 1, ATTENUATED. Identifiers: MedGen C2713442, MONDO:0021056, OMIM 175100. Disease mechanism: loss of function.

Submissions (4):

Ambry Genetics
Classification: Uncertain significance for Hereditary cancer-predisposing syndrome. Last evaluated: 2024-12-05. Review status: criteria provided, single submitter. Criteria: Ambry Variant Classification Scheme 2023. Collection method: clinical testing. Allele origin: germline.
Comment: The c.5238_5240delAAT variant (also known as p.I1746del) is located in coding exon 15 of the APC gene. This variant results from an in-frame AAT deletion at nucleotide positions 5238 to 5240. This results in the in-frame deletion of an isoleucine at codon 1746. This amino acid position is well conserved in available vertebrate species. In addition, this alteration is predicted to be neutral by in silico analysis (Choi Y et al. PLoS ONE. 2012; 7(10):e46688). Since supporting evidence is limited at this time, the clinical significance of this alteration remains unclear.

Labcorp Genetics (formerly Invitae), Labcorp
Classification: Uncertain significance for Familial adenomatous polyposis 1. Last evaluated: 2023-07-12. Review status: criteria provided, single submitter. Criteria: Invitae Variant Classification Sherloc (09022015). Collection method: clinical testing. Allele origin: germline.
Comment: This variant, c.5238_5240del, results in the deletion of 1 amino acid(s) of the APC protein (p.Ile1746del), but otherwise preserves the integrity of the reading frame. This variant is not present in population databases (gnomAD no frequency). In summary, the available evidence is currently insufficient to determine the role of this variant in disease. Therefore, it has been classified as a Variant of Uncertain Significance. Experimental studies and prediction algorithms are not available or were not evaluated, and the functional significance of this variant is currently unknown. ClinVar contains an entry for this variant (Variation ID: 576456). This variant has not been reported in the literature in individuals affected with APC-related conditions.

Baylor Genetics
Classification: Uncertain significance for Familial adenomatous polyposis 1. Last evaluated: 2023-07-07. Review status: criteria provided, single submitter. Criteria: ACMG Guidelines, 2015. Collection method: clinical testing. Allele origin: unknown.

Color Diagnostics, LLC DBA Color Health
Classification: Uncertain significance for Hereditary cancer-predisposing syndrome. Last evaluated: 2020-02-09. Review status: criteria provided, single submitter. Criteria: ACMG Guidelines, 2015. Collection method: clinical testing. Allele origin: germline.
Comment: This variant causes a deletion of 1 amino acid from the APC protein. To our knowledge, functional studies have not been performed for this variant. This variant has not been reported in individuals affected with hereditary cancer in the literature. This variant has been identified in 1/250650 chromosomes in the general population by the Genome Aggregation Database (gnomAD). The available evidence is insufficient to determine the role of this variant in disease conclusively. Therefore, this variant is classified as a Variant of Uncertain Significance.